The following is an entry in ClinVar:

NC_012920.1(MT-TN):m.5672T>C

Gene: MT-TN (mitochondrially encoded tRNA asparagine; minus strand).
Variant type: single nucleotide variant.
Genome position: chrM-5672-T-C.
Identifiers: ClinVar variation 689973 (VCV000689973.4), dbSNP rs1603220085, ClinGen allele CA913180192.

ClinVar aggregate classification (germline): Uncertain significance. Review status: criteria provided, single submitter (1 of 4 stars). 2 submissions from 2 submitters: Uncertain significance (1). 1 of the submissions does not count toward it. Last evaluated 2019-07-12.

Conditions:
Mitochondrial disease. Also called: Mitochondrial disorder; Mitochondrial disorders. Identifiers: Orphanet 68380, MedGen C0751651, MeSH D028361, MONDO:0044970.
MELAS syndrome (MELAS). Also called: Juvenile myopathy, encephalopathy, lactic acidosis, stroke. Identifiers: Orphanet 550, MedGen C0162671, MONDO:0010789, OMIM 540000.

Submissions (2):

Wong Mito Lab, Molecular and Human Genetics, Baylor College of Medicine
Classification: Uncertain significance for MELAS syndrome. Last evaluated: 2019-07-12. Review status: criteria provided, single submitter. Criteria: Modified ACMG Guidelines (Unpublished). Collection method: clinical testing. Allele origin: germline.
Comment: The NC_012920.1:m.5672T>C variant in MT-TN gene is interpreted to be a Unknown Significance variant based on the modified ACMG guidelines (unpublished). This variant meets the following evidence codes reported in the guidelines: BP4, PP7

Service de Génétique Médicale, Centre Hospitalier Universitaire de Nice-Université Côte d'Azur
Classification: Likely pathogenic for Mitochondrial disease. Last evaluated: 2019-10-01. Review status: no assertion criteria provided. Collection method: in vitro. Allele origin: not applicable. Inheritance: Mitochondrial inheritance. Not counted in ClinVar's aggregate classification.
Comment: Proximal muscle weakness in lower limbs, exercise intolerance, myalgia, CPEO

Literature cited by the submitters: PubMed 31965079 (cited by Wong Mito Lab, Molecular and Human Genetics, Baylor College of Medicine).